The following is an entry in ClinVar:

ClinVar aggregate classification (germline): Conflicting classifications of pathogenicity. Review status: criteria provided, conflicting classifications (1 of 4 stars). 6 submissions from 6 submitters: Pathogenic (2); Likely pathogenic (3); Uncertain significance (1). Last evaluated 2025-12-03.

Conditions:
Tatton-Brown-Rahman overgrowth syndrome. Also called: Tatton-Brown-Rahman syndrome; Tall stature-intellectual disability-facial dysmorphism syndrome. Identifiers: Orphanet 404443, MedGen C4014545, MONDO:0014382, OMIM 615879.
DNMT3A-related disorder. Also called: DNMT3A-related disorders; DNMT3A-related condition.

Allele frequency attached by ClinVar (database versions not stated): gnomAD 0.00003; ExAC 0.00005.
gnomAD v4.1: 34 of 1,552,030 alleles (0.0022%); highest among the groups gnomAD compares: Non-Finnish European, 0.0021%; no homozygotes.

Submissions (6):

Genetics Program, Instituto Nacional de Cancer
Classification: Pathogenic for Tatton-Brown-Rahman overgrowth syndrome. Last evaluated: 2025-12-03. Review status: criteria provided, single submitter. Criteria: ACMG Guidelines, 2015. Collection method: clinical testing. Allele origin: germline. Inheritance: Autosomal dominant inheritance. Affected: yes. Observed: 3 variant alleles, 3 heterozygotes.
Comment: The NM_ 022552.5 c.1904G>A (p.Arg635Gln) is a missense variant found in DNMT3A. The variant presents a very low allele frequency in gnomAD (version 2.1.1), has four prior entries in ClinVar (SCV002525404.2, SCV004805235.1, SCV001584677.5, SCV001250295.34) and one report in the literature (PMID: 32435502).The REVEL score (0.828) supports pathogenicity. According to ACMG/AMP recommendations, this variant meets the criteria to be classified as pathogenic (PS3 + PS4 + PM1 + PM2 + PM5 + PP1 + PP2). Germline disruptions in DNMT3A are known to cause Tatton-Brown-Rahman syndrome (TBRS, OMIM: 615879), an overgrowth-intellectual disorder.

PreventionGenetics, part of Exact Sciences
Classification: Likely pathogenic for DNMT3A-related condition. Last evaluated: 2025-05-08. Review status: criteria provided, single submitter. Criteria: ACMG Guidelines, 2015. Collection method: clinical testing. Allele origin: germline.
Comment: The DNMT3A c.1904G>A variant is predicted to result in the amino acid substitution p.Arg635Gln. This variant was reported to occur de novo in individuals with Tatton-Brown-Rahman syndrome (Yokoi et al. 2020. PubMed ID: 32435502; Cecchi et al. 2021. PubMed ID: 34644003). This variant is reported in 0.0053% of alleles in individuals of European (Finnish) descent in gnomAD. This variant is interpreted as likely pathogenic.

Labcorp Genetics (formerly Invitae), Labcorp
Classification: Pathogenic for Tatton-Brown-Rahman overgrowth syndrome. Last evaluated: 2024-05-31. Review status: criteria provided, single submitter. Criteria: Invitae Variant Classification Sherloc (09022015). Collection method: clinical testing. Allele origin: germline.
Comment: This sequence change replaces arginine, which is basic and polar, with glutamine, which is neutral and polar, at codon 635 of the DNMT3A protein (p.Arg635Gln). The frequency data for this variant in the population databases is considered unreliable, as metrics indicate poor data quality at this position in the gnomAD database. This missense change has been observed in individual(s) with clinical features of Tatton-Brown-Rahman syndrome (PMID: 32435502; Invitae). In at least one individual the variant was observed to be de novo. ClinVar contains an entry for this variant (Variation ID: 872724). Advanced modeling of protein sequence and biophysical properties (such as structural, functional, and spatial information, amino acid conservation, physicochemical variation, residue mobility, and thermodynamic stability) performed at Invitae indicates that this missense variant is expected to disrupt DNMT3A protein function with a positive predictive value of 80%. For these reasons, this variant has been classified as Pathogenic.

Clinical Genetics Laboratory, CHRU Nancy
Classification: Likely pathogenic for Tatton-Brown-Rahman overgrowth syndrome. Last evaluated: 2024-03-24. Review status: criteria provided, single submitter. Criteria: ACMG Guidelines, 2015. Collection method: clinical testing. Allele origin: germline. Affected: yes.

GeneDx
Classification: Likely pathogenic. Last evaluated: 2022-03-25. Review status: criteria provided, single submitter. Criteria: GeneDx Variant Classification Process June 2021. Collection method: clinical testing. Allele origin: germline. Affected: yes.
Comment: In silico analysis supports that this missense variant has a deleterious effect on protein structure/function; This variant is associated with the following publications: (PMID: 25964253, Zhangetal2020[article], 34644003, 34092059, 32757002, 32435502)

CeGaT Center for Human Genetics Tuebingen
Classification: Uncertain significance. Last evaluated: 2019-12-01. Review status: criteria provided, single submitter. Criteria: CeGaT Center For Human Genetics Tuebingen Variant Classification Criteria Version 2. Collection method: clinical testing. Allele origin: germline. Affected: yes. Observed: 1 variant allele.

Literature cited by the submitters: PubMed 32435502 (cited by Labcorp Genetics (formerly Invitae), Labcorp).

NM_022552.5(DNMT3A):c.1904G>A (p.Arg635Gln)

Gene: DNMT3A (DNA methyltransferase 3 alpha; minus strand). Cytogenetic location: 2p23.3.
Variant type: single nucleotide variant.
Coding change: c.1904G>A on transcript NM_022552.5 (MANE Select); coding-DNA position 1904, G replaced by A.
Protein change: p.Arg635Gln; replaces arginine 635 with glutamine.
Molecular consequence: missense variant. On other transcripts: non-coding transcript variant (1).
Genome position (GRCh38, 1-based): chr2:25,243,930, C>T on the plus strand (G>A on the coding strand, the complement: DNMT3A is on the minus strand). VCF-style: chr2-25243930-C-T. GRCh37 (hg19) VCF-style: chr2-25466799-C-T.
Other names: c.1448G>A, p.Arg483Gln (NM_001320893.1); c.1235G>A, p.Arg412Gln (NM_001375819.1); c.1337G>A, p.Arg446Gln (NM_153759.3); c.1904G>A, p.Arg635Gln (NM_175629.2); short protein forms R412Q, R446Q, R483Q, R635Q.
Identifiers: ClinVar variation 872724 (VCV000872724.50), dbSNP rs751562376, ClinGen allele CA1555829.